The following is an entry in ClinVar:

ClinVar aggregate classification (germline): Likely benign (1 of 4 stars; one submission).

Allele frequency attached by ClinVar (database versions not stated): 1000 Genomes Project 30x 0.00031; ESP Exome Variant Server 0.00039; 1000 Genomes Project 0.00040; gnomAD 0.00048; TOPMed 0.00054; ExAC 0.00082.

Submission:

CeGaT Center for Human Genetics Tuebingen
Classification: Likely benign. Last evaluated: 2022-10-01. Review status: criteria provided, single submitter. Criteria: CeGaT Center For Human Genetics Tuebingen Variant Classification Criteria Version 2. Collection method: clinical testing. Allele origin: germline. Affected: yes. Observed: 1 variant allele.
Comment: C8orf58: BP4, BS2

NM_001013842.3(C8orf58):c.406C>T (p.Arg136Cys)

Gene: C8orf58 (chromosome 8 open reading frame 58; plus strand). Cytogenetic location: 8p21.3.
Variant type: single nucleotide variant.
Coding change: c.406C>T on transcript NM_001013842.3 (MANE Select); coding-DNA position 406, C replaced by T.
Protein change: p.Arg136Cys; replaces arginine 136 with cysteine.
Molecular consequence: missense variant.
Genome position (GRCh38, 1-based): chr8:22,601,247, C>T. VCF-style: chr8-22601247-C-T. GRCh37 (hg19) VCF-style: chr8-22458760-C-T.
Other names: c.406C>T, p.Arg136Cys (NM_001198827.2, NM_173686.3); short protein forms R136C.
Identifiers: ClinVar variation 2658469 (VCV002658469.24), dbSNP rs202142296, ClinGen allele CA4669799.
Genomic context (GRCh38, chr8:22,601,247, plus strand): 5'-GAGGTGTTGGAGCGGTCCCGCCGGCTCCCAACAGCTCCCACCAGCTTGTCAGGACAACAC[C>T]GCTCCCTGCGGCTGGCAAGCAAGCCTGAGCGTGAAGTGCCCCTTGGAGCAGGGCAACAGG-3'
Protein context (NP_001013864.1, residues 126-146): TAPTSLSGQH[Arg136Cys]SLRLASKPER